The following is an entry in ClinVar:

ClinVar aggregate classification (germline): Pathogenic (1 of 4 stars; one submission).

Conditions:
Familial adenomatous polyposis 1 (FAP1). Also called: POLYPOSIS, ADENOMATOUS INTESTINAL; FAMILIAL ADENOMATOUS POLYPOSIS 1, ATTENUATED. Identifiers: MedGen C2713442, MONDO:0021056, OMIM 175100. Disease mechanism: loss of function.

Submission:

Myriad Genetics, Inc.
Classification: Pathogenic for Familial adenomatous polyposis 1. Last evaluated: 2023-05-08. Review status: criteria provided, single submitter. Criteria: Myriad Autosomal Dominant, Autosomal Recessive and X-Linked Classification Criteria (2023). Collection method: clinical testing. Allele origin: unknown.
Comment: This variant is considered pathogenic. This variant creates a frameshift predicted to result in premature protein truncation.

NM_000038.6(APC):c.3485del (p.Tyr1162fs)

Gene: APC (APC regulator of Wnt signaling pathway; plus strand). Cytogenetic location: 5q22.2.
Variant type: Deletion.
Coding change: c.3485del on transcript NM_000038.6 (MANE Select); coding-DNA position 3485, one base deleted (A; older notation c.3485delA).
Protein change: p.Tyr1162fs; shifts the reading frame from tyrosine 1162.
Molecular consequence: frameshift variant. On other transcripts: non-coding transcript variant (2).
Genome position (GRCh38, 1-based): chr5:112,839,079, A deleted. VCF-style (leftmost placement, unchanged base first): chr5-112839078-TA-T. GRCh37 (hg19) VCF-style: chr5-112174775-TA-T.
Other names: c.3182del, p.Tyr1061fs (NM_001407460.1, NM_001354903.2, NM_001407458.1 and 1 more transcripts); c.3098del, p.Tyr1033fs (NM_001407467.1, NM_001407469.1); c.2636del, p.Tyr879fs (NM_001407470.1, NM_001354906.2); c.2333del, p.Tyr778fs (NM_001407471.1, NM_001407472.1); c.3485del, p.Tyr1162fs (NM_001127510.3, NM_001354895.2, NM_001407450.1); c.3431del, p.Tyr1144fs (NM_001127511.3); c.3539del, p.Tyr1180fs (NM_001354896.2, NM_001407447.1, NM_001407448.1 and 1 more transcripts); c.3515del, p.Tyr1172fs (NM_001354897.2); and 11 more; short protein forms Y1002fs, Y1033fs, Y1036fs, Y1061fs, Y1071fs, Y1079fs, Y1103fs, Y1121fs.
Identifiers: ClinVar variation 2583445 (VCV002583445.2), dbSNP rs2533502014, ClinGen allele CA2582341515.